The following is an entry in ClinVar:

ClinVar aggregate classification (germline): Conflicting classifications of pathogenicity. Review status: criteria provided, conflicting classifications (1 of 4 stars). 5 submissions from 5 submitters: Uncertain significance (3); Likely benign (2). Last evaluated 2025-12-04.

Conditions:
Bethlem myopathy 1A. Also called: Bethlem myopathy 1; MYOPATHY, BENIGN CONGENITAL, WITH CONTRACTURES; Bethlem Muscular Dystrophy. Identifiers: Orphanet 610, MedGen CN029274, MONDO:0024530, OMIM 158810.

Allele frequency attached by ClinVar (database versions not stated): gnomAD 0.00009 and 0.00010; gnomAD exomes 0.00014 and 0.00047; TOPMed 0.00024; 1000 Genomes Project 0.00040; 1000 Genomes Project 30x 0.00047; ExAC 0.00054.
gnomAD v4.1: 217 of 1,612,646 alleles (0.013%); highest among the groups gnomAD compares: Admixed American, 0.17%; no homozygotes.

Submissions (5):

Labcorp Genetics (formerly Invitae), Labcorp
Classification: Likely benign for Bethlem myopathy 1A. Last evaluated: 2025-12-04. Review status: criteria provided, single submitter. Criteria: Invitae Variant Classification Sherloc (09022015). Collection method: clinical testing. Allele origin: germline.

Blueprint Genetics
Classification: Likely benign. Last evaluated: 2024-03-01. Review status: criteria provided, single submitter. Criteria: ACMG Guidelines, 2015. Collection method: clinical testing. Allele origin: germline.

Mayo Clinic Laboratories, Mayo Clinic
Classification: Uncertain significance. Last evaluated: 2023-02-21. Review status: criteria provided, single submitter. Criteria: ACMG Guidelines, 2015. Collection method: clinical testing. Allele origin: germline. Observed: 1 variant allele.

GeneDx
Classification: Uncertain significance. Last evaluated: 2021-11-02. Review status: criteria provided, single submitter. Criteria: GeneDx Variant Classification Process June 2021. Collection method: clinical testing. Allele origin: germline. Affected: yes.
Comment: In silico analysis supports that this missense variant does not alter protein structure/function; Has not been previously published as pathogenic or benign to our knowledge; This variant is associated with the following publications: (PMID: 30564623)

Eurofins Ntd Llc (ga)
Classification: Uncertain significance. Last evaluated: 2016-10-10. Review status: criteria provided, single submitter. Criteria: EGL Classification Definitions 2015. Collection method: clinical testing. Allele origin: germline. Observed: 5 variant alleles, 5 heterozygotes.

NM_001849.4(COL6A2):c.22G>A (p.Val8Met)

Gene: COL6A2 (collagen type VI alpha 2 chain; plus strand). Cytogenetic location: 21q22.3.
Variant type: single nucleotide variant.
Coding change: c.22G>A on transcript NM_001849.4 (MANE Select); coding-DNA position 22, G replaced by A.
Protein change: p.Val8Met; replaces valine 8 with methionine.
Molecular consequence: missense variant.
Genome position (GRCh38, 1-based): chr21:46,111,498, G>A. VCF-style: chr21-46111498-G-A. GRCh37 (hg19) VCF-style: chr21-47531412-G-A.
Other names: p.Val8Met; c.22G>A, p.Val8Met (NM_058174.3, NM_058175.3); short protein forms V8M.
Identifiers: ClinVar variation 195152 (VCV000195152.24), dbSNP rs192476178, ClinGen allele CA241442.